The following is an entry in ClinVar:

NM_015189.3(EXOC6B):c.833A>G (p.Glu278Gly)

Gene: EXOC6B (exocyst complex component 6B; minus strand). Cytogenetic location: 2p13.2.
Variant type: single nucleotide variant.
Coding change: c.833A>G on transcript NM_015189.3 (MANE Select); coding-DNA position 833, A replaced by G.
Protein change: p.Glu278Gly; replaces glutamic acid 278 with glycine.
Molecular consequence: missense variant. On other transcripts: non-coding transcript variant (2).
Genome position (GRCh38, 1-based): chr2:72,575,505, T>C on the plus strand (A>G on the coding strand, the complement: EXOC6B is on the minus strand). VCF-style: chr2-72575505-T-C. GRCh37 (hg19) VCF-style: chr2-72802634-T-C.
Other names: c.833A>G, p.Glu278Gly (NM_001321729.2, NM_001321730.2, NM_001321731.2 and 1 more transcripts); c.494A>G, p.Glu165Gly (NM_001321734.2); short protein forms E165G, E278G.
Identifiers: ClinVar variation 1518882 (VCV001518882.6), dbSNP rs772905584, ClinGen allele CA1708654.
Genomic context (GRCh38, chr2:72,575,505, plus strand): 5'-TTTAAGCTTAAAAATAGTCTCACTTCCCAACATCAAATGTTACTTACCTCTTCATCATCT[T>C]CCTCGTCTTCAACATCCAGAATTCCTGAATCCTGTTCAGACTTCGGACTAGTACTTTCTA-3'
Protein context (NP_056004.1, residues 268-288): DSGILDVEDE[Glu278Gly]DDEEVPGAQD

ClinVar aggregate classification (germline): Uncertain significance (1 of 4 stars; one submission).

Allele frequency attached by ClinVar (database versions not stated): ExAC 0.00001; gnomAD 0.00001 and 0.00003; gnomAD exomes 0.00001; TOPMed 0.00003.
gnomAD v4.1: 15 of 1,605,988 alleles (0.00093%); highest among the groups gnomAD compares: Non-Finnish European, 0.0013%; no homozygotes.

Submission:

Labcorp Genetics (formerly Invitae), Labcorp
Classification: Uncertain significance. Last evaluated: 2021-11-26. Review status: criteria provided, single submitter. Criteria: Invitae Variant Classification Sherloc (09022015). Collection method: clinical testing. Allele origin: germline.
Comment: This sequence change replaces glutamic acid, which is acidic and polar, with glycine, which is neutral and non-polar, at codon 278 of the EXOC6B protein (p.Glu278Gly). This variant is present in population databases (rs772905584, gnomAD 0.003%). This variant has not been reported in the literature in individuals affected with EXOC6B-related conditions. Experimental studies and prediction algorithms are not available or were not evaluated, and the functional significance of this variant is currently unknown. In summary, the available evidence is currently insufficient to determine the role of this variant in disease. Therefore, it has been classified as a Variant of Uncertain Significance.